The following is an entry in ClinVar:

ClinVar aggregate classification (germline): Conflicting classifications of pathogenicity. Review status: criteria provided, conflicting classifications (1 of 4 stars). 2 submissions from 2 submitters: Uncertain significance (1); Likely benign (1). Last evaluated 2025-12-31.

Conditions:
Hereditary cancer-predisposing syndrome. Also called: Hereditary Cancer Syndrome; Tumor predisposition; Hereditary neoplastic syndrome; Neoplastic Syndromes, Hereditary. Identifiers: Orphanet 140162, MedGen C0027672, MeSH D009386, MONDO:0015356.
Bloom syndrome (BLM). Also called: Bloom-Torre-Machacek syndrome. Identifiers: Orphanet 125, MedGen C0005859, MONDO:0008876, OMIM 210900.

Submissions (2):

Labcorp Genetics (formerly Invitae), Labcorp
Classification: Uncertain significance for Bloom syndrome. Last evaluated: 2025-12-31. Review status: criteria provided, single submitter. Criteria: Invitae Variant Classification Sherloc (09022015). Collection method: clinical testing. Allele origin: germline.
Comment: This sequence change replaces lysine, which is basic and polar, with asparagine, which is neutral and polar, at codon 271 of the BLM protein (p.Lys271Asn). This variant is not present in population databases (gnomAD no frequency). This variant has not been reported in the literature in individuals affected with BLM-related conditions. ClinVar contains an entry for this variant (Variation ID: 3261005). An algorithm developed to predict the effect of missense changes on protein structure and function (PolyPhen-2) suggests that this variant is likely to be tolerated. In summary, the available evidence is currently insufficient to determine the role of this variant in disease. Therefore, it has been classified as a Variant of Uncertain Significance.

Ambry Genetics
Classification: Likely benign for Hereditary cancer-predisposing syndrome. Last evaluated: 2024-04-17. Review status: criteria provided, single submitter. Criteria: Ambry Variant Classification Scheme 2023. Collection method: clinical testing. Allele origin: germline.

NM_000057.4(BLM):c.813G>C (p.Lys271Asn)

Gene: BLM (BLM RecQ like helicase; plus strand). Cytogenetic location: 15q26.1.
Variant type: single nucleotide variant.
Coding change: c.813G>C on transcript NM_000057.4 (MANE Select); coding-DNA position 813, G replaced by C.
Protein change: p.Lys271Asn; replaces lysine 271 with asparagine.
Molecular consequence: missense variant. On other transcripts: 5 prime UTR variant (1).
Genome position (GRCh38, 1-based): chr15:90,751,800, G>C. VCF-style: chr15-90751800-G-C. GRCh37 (hg19) VCF-style: chr15-91295030-G-C.
Other names: c.813G>C, p.Lys271Asn (NM_001287246.2, NM_001287247.2); c.-479G>C (NM_001287248.2); short protein forms K271N.
Identifiers: ClinVar variation 3261005 (VCV003261005.2).
Genomic context (GRCh38, chr15:90,751,800, plus strand): 5'-CTCATTAGTGGTTAACAAATCTATGTTTATCAACTGTTTTACTGTAGATAATAGCGAAAA[G>C]AAGAAGAATTTGGAAGAAGCTGAATTACATTCAACTGAGAAAGTTCCATGTATTGAATTT-3'
Protein context (NP_000048.1, residues 261-281): HLEDERDNSE[Lys271Asn]KKNLEEAELH